The following is an entry in ClinVar:

ClinVar aggregate classification (germline): Conflicting classifications of pathogenicity. Review status: criteria provided, conflicting classifications (1 of 4 stars). 4 submissions from 4 submitters: Uncertain significance (1); Likely benign (2). 1 of the submissions does not count toward it. Last evaluated 2024-08-14.

Conditions:
Hereditary cancer-predisposing syndrome. Also called: Tumor predisposition; Neoplastic Syndromes, Hereditary; Hereditary Cancer Syndrome; Hereditary neoplastic syndrome. Identifiers: Orphanet 140162, MedGen C0027672, MeSH D009386, MONDO:0015356.
Hereditary breast ovarian cancer syndrome. Also called: Hereditary breast and ovarian cancer syndrome (HBOC); Hereditary breast and ovarian cancer syndrome; Hereditary breast and ovarian cancer; Hereditary breast and/or ovarian cancer syndrome; Breast and ovarian cancer; BRCA1- and BRCA2-Associated Hereditary Breast and Ovarian Cancer. Identifiers: Orphanet 145, MedGen C0677776, MeSH D061325, MONDO:0003582. Disease mechanism: loss of function.
Breast-ovarian cancer, familial, susceptibility to, 1 (BROVCA1). Also called: OVARIAN CANCER, SUSCEPTIBILITY TO; BRCA1 Hereditary Breast and Ovarian Cancer. Identifiers: Orphanet 145, MedGen C2676676, MONDO:0011450, OMIM 604370. Disease mechanism: loss of function.

Submissions (4):

Labcorp Genetics (formerly Invitae), Labcorp
Classification: Uncertain significance for Hereditary breast ovarian cancer syndrome. Last evaluated: 2024-08-14. Review status: criteria provided, single submitter. Criteria: Invitae Variant Classification Sherloc (09022015). Collection method: clinical testing. Allele origin: germline.
Comment: This sequence change replaces asparagine, which is neutral and polar, with lysine, which is basic and polar, at codon 913 of the BRCA1 protein (p.Asn913Lys). This variant is not present in population databases (gnomAD no frequency). This missense change has been observed in individual(s) with breast cancer (PMID: 18627636). ClinVar contains an entry for this variant (Variation ID: 54665). Invitae Evidence Modeling of protein sequence and biophysical properties (such as structural, functional, and spatial information, amino acid conservation, physicochemical variation, residue mobility, and thermodynamic stability) indicates that this missense variant is not expected to disrupt BRCA1 protein function with a negative predictive value of 95%. In summary, the available evidence is currently insufficient to determine the role of this variant in disease. Therefore, it has been classified as a Variant of Uncertain Significance.

Ambry Genetics
Classification: Likely benign for Hereditary cancer-predisposing syndrome. Last evaluated: 2023-07-03. Review status: criteria provided, single submitter. Criteria: Ambry Variant Classification Scheme 2023. Collection method: clinical testing. Allele origin: germline.

University of Washington Department of Laboratory Medicine, University of Washington
Classification: Likely benign for Hereditary cancer-predisposing syndrome. Last evaluated: 2023-03-23. Review status: criteria provided, single submitter. Criteria: Dines et al. (Genet Med. 2020). Collection method: curation. Allele origin: germline.
Comment: Missense variant in a coldspot region where missense variants are very unlikely to be pathogenic (PMID:31911673).

BRCA1 coldspot (exon 11 using historical exon numbering). Reclassification based on statistical prior probability

Breast Cancer Information Core (BIC) (BRCA1)
Classification: Uncertain significance for Breast-ovarian cancer, familial 1. Last evaluated: 2010-09-18. Review status: no assertion criteria provided. Collection method: clinical testing. Allele origin: germline. Affected: yes. Observed: 1 variant allele. Not counted in ClinVar's aggregate classification.

Literature cited by the submitters: PubMed 18627636 (cited by Labcorp Genetics (formerly Invitae), Labcorp).

NM_007294.4(BRCA1):c.2739T>A (p.Asn913Lys)

Gene: BRCA1 (BRCA1 DNA repair associated; minus strand). Cytogenetic location: 17q21.31.
Variant type: single nucleotide variant.
Coding change: c.2739T>A on transcript NM_007294.4 (MANE Select); coding-DNA position 2739, T replaced by A.
Protein change: p.Asn913Lys; replaces asparagine 913 with lysine.
Molecular consequence: missense variant. On other transcripts: intron variant (137).
Genome position (GRCh38, 1-based): chr17:43,092,792, A>T on the plus strand (T>A on the coding strand, the complement: BRCA1 is on the minus strand). VCF-style: chr17-43092792-A-T. GRCh37 (hg19) VCF-style: chr17-41244809-A-T.
Other names: c.2616T>A, p.Asn872Lys (NM_001407939.1, NM_001407648.1, NM_001407664.1 and 19 more transcripts); c.2613T>A, p.Asn871Lys (NM_001407940.1, NM_001407941.1, NM_001407649.1 and 11 more transcripts); c.2598T>A, p.Asn866Lys (NM_001407942.1, NM_001407944.1, NM_001407945.1 and 29 more transcripts); c.2595T>A, p.Asn865Lys (NM_001407943.1, NM_001407964.1, NM_001407740.1 and 20 more transcripts); c.2406T>A, p.Asn802Lys (NM_001407946.1, NM_001407947.1, NM_001407948.1 and 6 more transcripts); c.2403T>A, p.Asn801Lys (NM_001407954.1, NM_001407955.1, NM_001407956.1 and 1 more transcripts); c.2358T>A, p.Asn786Lys (NM_001407959.1, NM_001407960.1, NM_001407963.1); c.2355T>A, p.Asn785Lys (NM_001407962.1); and 41 more; short protein forms N913K, N866K, N617K, N801K, N802K, N825K, N845K, N865K.
Identifiers: ClinVar variation 54665 (VCV000054665.15), dbSNP rs273899688, ClinGen allele CA001804.